The following is an entry in ClinVar:

NM_000260.4(MYO7A):c.1127T>C (p.Ile376Thr)

Gene: MYO7A (myosin VIIA; plus strand). Cytogenetic location: 11q13.5.
Variant type: single nucleotide variant.
Coding change: c.1127T>C on transcript NM_000260.4 (MANE Select); coding-DNA position 1127, T replaced by C.
Protein change: p.Ile376Thr; replaces isoleucine 376 with threonine.
Molecular consequence: missense variant.
Genome position (GRCh38, 1-based): chr11:77,160,209, T>C. VCF-style: chr11-77160209-T-C. GRCh37 (hg19) VCF-style: chr11-76871255-T-C.
Other names: c.1127T>C, p.Ile376Thr (NM_001127180.2); c.1094T>C, p.Ile365Thr (NM_001369365.1); short protein forms I376T, I365T.
Identifiers: ClinVar variation 2172710 (VCV002172710.4), dbSNP rs781880467, ClinGen allele CA6197394.

ClinVar aggregate classification (germline): Uncertain significance (1 of 4 stars; one submission).

Allele frequency attached by ClinVar (database versions not stated): gnomAD exomes below 0.00001; gnomAD 0.00001; ExAC 0.00007.
gnomAD v4.1: 3 of 1,580,852 alleles (0.00019%); highest among the groups gnomAD compares: Admixed American, 0.0054%; no homozygotes.

Submission:

Labcorp Genetics (formerly Invitae), Labcorp
Classification: Uncertain significance. Last evaluated: 2023-08-10. Review status: criteria provided, single submitter. Criteria: Invitae Variant Classification Sherloc (09022015). Collection method: clinical testing. Allele origin: germline.
Comment: This sequence change replaces isoleucine, which is neutral and non-polar, with threonine, which is neutral and polar, at codon 376 of the MYO7A protein (p.Ile376Thr). The frequency data for this variant in the population databases is considered unreliable, as metrics indicate poor data quality at this position in the gnomAD database. This variant has not been reported in the literature in individuals affected with MYO7A-related conditions. ClinVar contains an entry for this variant (Variation ID: 2172710). Advanced modeling of protein sequence and biophysical properties (such as structural, functional, and spatial information, amino acid conservation, physicochemical variation, residue mobility, and thermodynamic stability) performed at Invitae indicates that this missense variant is not expected to disrupt MYO7A protein function. In summary, the available evidence is currently insufficient to determine the role of this variant in disease. Therefore, it has been classified as a Variant of Uncertain Significance.